The following is an entry in ClinVar:

ClinVar aggregate classification (germline): Uncertain significance (1 of 4 stars; one submission).

Allele frequency attached by ClinVar (database versions not stated): gnomAD 0.00001; gnomAD exomes 0.00001 and 0.00002; ExAC 0.00002.
gnomAD v4.1: 21 of 1,613,994 alleles (0.0013%); highest among the groups gnomAD compares: South Asian, 0.022%; no homozygotes.

Submission:

Labcorp Genetics (formerly Invitae), Labcorp
Classification: Uncertain significance. Last evaluated: 2025-07-14. Review status: criteria provided, single submitter. Criteria: Invitae Variant Classification Sherloc (09022015). Collection method: clinical testing. Allele origin: germline.
Comment: This sequence change replaces aspartic acid, which is acidic and polar, with tyrosine, which is neutral and polar, at codon 96 of the C9 protein (p.Asp96Tyr). This variant is present in population databases (rs776608290, gnomAD 0.01%). This variant has not been reported in the literature in individuals affected with C9-related conditions. ClinVar contains an entry for this variant (Variation ID: 1508182). An algorithm developed to predict the effect of missense changes on protein structure and function (PolyPhen-2) suggests that this variant is likely to be disruptive. Algorithms developed to predict the effect of sequence changes on RNA splicing suggest that this variant may create or strengthen a splice site. In summary, the available evidence is currently insufficient to determine the role of this variant in disease. Therefore, it has been classified as a Variant of Uncertain Significance.

NM_001737.5(C9):c.286G>T (p.Asp96Tyr)

Gene: C9 (complement C9; minus strand). Cytogenetic location: 5p13.1.
Variant type: single nucleotide variant.
Coding change: c.286G>T on transcript NM_001737.5 (MANE Select); coding-DNA position 286, G replaced by T.
Protein change: p.Asp96Tyr; replaces aspartic acid 96 with tyrosine.
Molecular consequence: missense variant.
Genome position (GRCh38, 1-based): chr5:39,341,598, C>A on the plus strand (G>T on the coding strand, the complement: C9 is on the minus strand). VCF-style: chr5-39341598-C-A. GRCh37 (hg19) VCF-style: chr5-39341700-C-A.
Other names: short protein forms D96Y.
Identifiers: ClinVar variation 1508182 (VCV001508182.5), dbSNP rs776608290, ClinGen allele CA3247073.